The following is an entry in ClinVar:

NM_006767.4(LZTR1):c.1610G>T (p.Arg537Leu)

Gene: LZTR1 (leucine zipper like post translational regulator 1; plus strand). Cytogenetic location: 22q11.21.
Variant type: single nucleotide variant.
Coding change: c.1610G>T on transcript NM_006767.4 (MANE Select); coding-DNA position 1610, G replaced by T.
Protein change: p.Arg537Leu; replaces arginine 537 with leucine.
Molecular consequence: missense variant.
Genome position (GRCh38, 1-based): chr22:20,994,264, G>T. VCF-style: chr22-20994264-G-T. GRCh37 (hg19) VCF-style: chr22-21348553-G-T.
Other names: short protein forms R537L.
Identifiers: ClinVar variation 3238111 (VCV003238111.1), dbSNP rs769150226.

ClinVar aggregate classification (germline): Uncertain significance (1 of 4 stars; one submission).

Conditions:
Hereditary cancer-predisposing syndrome. Also called: Neoplastic Syndromes, Hereditary; Tumor predisposition; Hereditary neoplastic syndrome; Hereditary Cancer Syndrome. Identifiers: Orphanet 140162, MedGen C0027672, MeSH D009386, MONDO:0015356.
Cardiovascular phenotype. Identifiers: MedGen CN230736.

Submission:

Ambry Genetics
Classification: Uncertain significance for Cardiovascular phenotype; Hereditary cancer-predisposing syndrome. Last evaluated: 2023-03-27. Review status: criteria provided, single submitter. Criteria: Ambry Variant Classification Scheme 2023. Collection method: clinical testing. Allele origin: germline.
Comment: The p.R537L variant (also known as c.1610G>T), located in coding exon 14 of the LZTR1 gene, results from a G to T substitution at nucleotide position 1610. The arginine at codon 537 is replaced by leucine, an amino acid with dissimilar properties. This amino acid position is conserved. In addition, the in silico prediction for this alteration is inconclusive. Since supporting evidence is limited at this time, the clinical significance of this alteration remains unclear.